The following is an entry in ClinVar:

NM_001077350.3(NPRL3):c.56del (p.Gly19fs)

Genes: HBA-LCR (alpha-globin locus control region; plus strand), NPRL3 (NPR3 like, GATOR1 complex subunit; minus strand). Cytogenetic location: 16p13.3.
Variant type: Deletion.
Coding change: c.56del on transcript NM_001077350.3 (MANE Select); coding-DNA position 56, one base deleted (G; older notation c.56delG).
Protein change: p.Gly19fs; shifts the reading frame from glycine 19.
Molecular consequence: frameshift variant. On other transcripts: 5 prime UTR variant (2).
Genome position (GRCh38, 1-based): chr16:138,212, C deleted on the plus strand (G on the coding strand, the reverse complement: NPRL3 is on the minus strand); the first of 4 consecutive C bases (chr16:138,212-138,215); deleting any one gives the same sequence. VCF-style (leftmost placement, unchanged base first): chr16-138211-GC-G. GRCh37 (hg19) VCF-style: chr16-188210-GC-G.
Other names: c.-277del (NM_001039476.3); c.-316del (NM_001243247.2); c.56del, p.Gly19fs (NM_001243248.2, NM_001243249.2); short protein forms G19fs.
Identifiers: ClinVar variation 3646934 (VCV003646934.2).

ClinVar aggregate classification (germline): Pathogenic (1 of 4 stars; one submission).

Conditions:
Epilepsy, familial focal, with variable foci 3 (FFEVF3). Identifiers: MedGen C4310708, MONDO:0014925, OMIM 617118.

Submission:

Labcorp Genetics (formerly Invitae), Labcorp
Classification: Pathogenic for Epilepsy, familial focal, with variable foci 3. Last evaluated: 2024-03-20. Review status: criteria provided, single submitter. Criteria: Invitae Variant Classification Sherloc (09022015). Collection method: clinical testing. Allele origin: germline.
Comment: This sequence change creates a premature translational stop signal (p.Gly19Alafs*68) in the NPRL3 gene. It is expected to result in an absent or disrupted protein product. Loss-of-function variants in NPRL3 are known to be pathogenic (PMID: 26285051, 26505888). This variant is not present in population databases (gnomAD no frequency). This variant has not been reported in the literature in individuals affected with NPRL3-related conditions. For these reasons, this variant has been classified as Pathogenic.

Literature cited by the submitters: PubMed 26285051; PubMed 26505888.